The following is an entry in ClinVar:

ClinVar aggregate classification (germline): Uncertain significance. Review status: criteria provided, multiple submitters, no conflicts (2 of 4 stars). 2 submissions from 2 submitters: Uncertain significance (2). Last evaluated 2025-09-26.

Conditions:
Tuberous sclerosis 1 (TSC1). Identifiers: Orphanet 805, MedGen C1854465, MONDO:0008612, OMIM 191100.
Hereditary cancer-predisposing syndrome. Also called: Neoplastic Syndromes, Hereditary; Hereditary neoplastic syndrome; Tumor predisposition; Hereditary Cancer Syndrome. Identifiers: Orphanet 140162, MedGen C0027672, MeSH D009386, MONDO:0015356.

Submissions (2):

Ambry Genetics
Classification: Uncertain significance for Hereditary cancer-predisposing syndrome. Last evaluated: 2025-09-26. Review status: criteria provided, single submitter. Criteria: Ambry Variant Classification Scheme 2023. Collection method: clinical testing. Allele origin: germline.
Comment: The p.G1137V variant (also known as c.3410G>T), located in coding exon 21 of the TSC1 gene, results from a G to T substitution at nucleotide position 3410. The glycine at codon 1137 is replaced by valine, an amino acid with dissimilar properties. This amino acid position is not well conserved in available vertebrate species. In addition, this alteration is predicted to be tolerated by in silico analysis. Based on the available evidence, the clinical significance of this variant remains unclear.

Labcorp Genetics (formerly Invitae), Labcorp
Classification: Uncertain significance for Tuberous sclerosis 1. Last evaluated: 2023-12-07. Review status: criteria provided, single submitter. Criteria: Invitae Variant Classification Sherloc (09022015). Collection method: clinical testing. Allele origin: germline.
Comment: This sequence change replaces glycine, which is neutral and non-polar, with valine, which is neutral and non-polar, at codon 1137 of the TSC1 protein (p.Gly1137Val). This variant is not present in population databases (gnomAD no frequency). This variant has not been reported in the literature in individuals affected with TSC1-related conditions. ClinVar contains an entry for this variant (Variation ID: 845529). An algorithm developed to predict the effect of missense changes on protein structure and function (PolyPhen-2) suggests that this variant is likely to be tolerated. In summary, the available evidence is currently insufficient to determine the role of this variant in disease. Therefore, it has been classified as a Variant of Uncertain Significance.

NM_000368.5(TSC1):c.3410G>T (p.Gly1137Val)

Gene: TSC1 (TSC complex subunit 1; minus strand). Cytogenetic location: 9q34.13.
Variant type: single nucleotide variant.
Coding change: c.3410G>T on transcript NM_000368.5 (MANE Select); coding-DNA position 3410, G replaced by T.
Protein change: p.Gly1137Val; replaces glycine 1137 with valine.
Molecular consequence: missense variant.
Genome position (GRCh38, 1-based): chr9:132,896,320, C>A on the plus strand (G>T on the coding strand, the complement: TSC1 is on the minus strand). VCF-style: chr9-132896320-C-A. GRCh37 (hg19) VCF-style: chr9-135771707-C-A.
Other names: c.3407G>T, p.Gly1136Val (NM_001162426.2); c.3257G>T, p.Gly1086Val (NM_001162427.2); c.3047G>T, p.Gly1016Val (NM_001362177.2); short protein forms G1136V, G1016V, G1086V, G1137V.
Identifiers: ClinVar variation 845529 (VCV000845529.10), dbSNP rs1845032228, ClinGen allele CA375366426.